The following is an entry in ClinVar:

ClinVar aggregate classification (germline): Uncertain significance. Review status: criteria provided, multiple submitters, no conflicts (2 of 4 stars). 3 submissions from 3 submitters: Uncertain significance (3). Last evaluated 2025-12-20.

Conditions:
Hereditary cancer-predisposing syndrome. Also called: Hereditary Cancer Syndrome; Hereditary neoplastic syndrome; Neoplastic Syndromes, Hereditary; Tumor predisposition. Identifiers: Orphanet 140162, MedGen C0027672, MeSH D009386, MONDO:0015356.
Bloom syndrome (BLM). Also called: Bloom-Torre-Machacek syndrome. Identifiers: Orphanet 125, MedGen C0005859, MONDO:0008876, OMIM 210900.

Submissions (3):

Labcorp Genetics (formerly Invitae), Labcorp
Classification: Uncertain significance for Bloom syndrome. Last evaluated: 2025-12-20. Review status: criteria provided, single submitter. Criteria: Invitae Variant Classification Sherloc (09022015). Collection method: clinical testing. Allele origin: germline.
Comment: This sequence change replaces histidine, which is basic and polar, with tyrosine, which is neutral and polar, at codon 378 of the BLM protein (p.His378Tyr). This variant is present in population databases (rs752240971, gnomAD 0.003%). This variant has not been reported in the literature in individuals affected with BLM-related conditions. ClinVar contains an entry for this variant (Variation ID: 1728818). Invitae Evidence Modeling of protein sequence and biophysical properties (such as structural, functional, and spatial information, amino acid conservation, physicochemical variation, residue mobility, and thermodynamic stability) indicates that this missense variant is not expected to disrupt BLM protein function with a negative predictive value of 80%. In summary, the available evidence is currently insufficient to determine the role of this variant in disease. Therefore, it has been classified as a Variant of Uncertain Significance.

Ambry Genetics
Classification: Uncertain significance for Hereditary cancer-predisposing syndrome. Last evaluated: 2024-03-14. Review status: criteria provided, single submitter. Criteria: Ambry Variant Classification Scheme 2023. Collection method: clinical testing. Allele origin: germline.
Comment: The c.1132_1134delCACinsTAT variant (also known as p.H378Y), located in coding exon 5 of the BLM gene, results from an in-frame deletion of CAC and insertion of TAT at nucleotide positions 1132 to 1134. This results in the substitution of the histidine residue for a tyrosine residue at codon 378, an amino acid with similar properties. This amino acid position is not well conserved in available vertebrate species. In addition, this alteration is predicted to be neutral by in silico analysis (Choi Y et al. PLoS ONE. 2012; 7(10):e46688). Based on the available evidence, the clinical significance of this alteration remains unclear.

Fulgent Genetics
Classification: Uncertain significance for Bloom syndrome. Last evaluated: 2022-01-17. Review status: criteria provided, single submitter. Criteria: ACMG Guidelines, 2015. Collection method: clinical testing. Allele origin: unknown.

NM_000057.4(BLM):c.1132_1134delinsTAT (p.His378Tyr)

Gene: BLM (BLM RecQ like helicase; plus strand). Cytogenetic location: 15q26.1.
Variant type: Indel.
Coding change: c.1132_1134delinsTAT on transcript NM_000057.4 (MANE Select); coding-DNA positions 1132 to 1134, CAC replaced by TAT.
Protein change: p.His378Tyr; replaces histidine 378 with tyrosine.
Molecular consequence: missense variant.
Genome position (GRCh38, 1-based): chr15:90,760,191-90,760,193, CAC replaced by TAT. VCF-style: chr15-90760191-CAC-TAT. GRCh37 (hg19) VCF-style: chr15-91303421-CAC-TAT.
Other names: c.1132_1134delinsTAT, p.His378Tyr (NM_001287246.2, NM_001287247.2); c.7_9delinsTAT, p.His3Tyr (NM_001287248.2); c.1132_1134delCACinsTAT (NM_000057.2); short protein forms H378Y, H3Y.
Identifiers: ClinVar variation 454065 (VCV000454065.10), dbSNP rs1555419713, ClinGen allele CA658658314.